The following is an entry in ClinVar:

ClinVar aggregate classification (germline): Pathogenic/Likely pathogenic. Review status: criteria provided, multiple submitters, no conflicts (2 of 4 stars). 3 submissions from 3 submitters: Pathogenic (2); Likely pathogenic (1). Last evaluated 2024-06-07.

Conditions:
Mucopolysaccharidosis, MPS-II (MPS2). Also called: IDS deficiency; Sulfoiduronate sulfatase deficiency; SIDS deficiency; Attenuated MPS (subtype; formerly known as mild MPS II); Severe MPS II; I2S deficiency. Identifiers: Orphanet 580, Orphanet 79388, MedGen C0026705, MONDO:0010674, OMIM 309900.

Submissions (3):

Laboratory of Diagnosis and Therapy of Lysosomal Disorders, University of Padova
Classification: Pathogenic for Mucopolysaccharidosis, MPS-II. Last evaluated: 2024-06-07. Review status: criteria provided, single submitter. Criteria: ACMG Guidelines, 2015. Collection method: literature only. Allele origin: germline. Affected: yes. Observed: 3 variant alleles.
Comment: Null variant (PVS1_VeryStrong), Absent from controls (or at low frequency) in gnomAD database (PM2_Moderate), Patient’s phenotype or family history highly specific for the disease (PP4_Moderate)

Classification method: ACMG Guidelines [PMID:25741868] with modifications

Department of Medical Genetics, Sanjay Gandhi Post Graduate Institute of Medical Sciences
Classification: Pathogenic for Mucopolysaccharidosis, MPS-II. Review status: criteria provided, single submitter. Criteria: ACMG Guidelines, 2015. Collection method: clinical testing. Allele origin: maternal. Inheritance: X-linked recessive inheritance. Affected: yes. Observed: 1 variant allele, 1 hemizygote.

Neuberg Centre For Genomic Medicine, NCGM
Classification: Likely pathogenic for Mucopolysaccharidosis, MPS-II. Review status: criteria provided, single submitter. Criteria: ACMG Guidelines, 2015. Collection method: clinical testing. Allele origin: germline. Affected: yes.
Comment: The frameshift deletion p.S201Hfs*2 in IDS (NM_000202.8) has not been reported previously as a pathogenic variant nor as a benign variant, to our knowledge. The p.S201Hfs*2 variant is novel (not in any individuals) in gnomAD Exomes and is novel (not in any individuals) in 1000 Genomes. This variant is predicted to cause loss of normal protein function through protein truncation caused a frameshift mutation. The frame shifted sequence continues 2 residues until a stop codon is reached. The p.S201Hfs*2 variant is a loss of function variant in the gene IDS, which is intolerant of Loss of Function variants. For these reasons, this variant has been classified as Likely Pathogenic.

Literature cited by the submitters: PubMed 35144014 (cited by Laboratory of Diagnosis and Therapy of Lysosomal Disorders, University of Padova); PubMed 22976768 (cited by Laboratory of Diagnosis and Therapy of Lysosomal Disorders, University of Padova).

NM_000202.8(IDS):c.601_602del (p.Ser201fs)

Genes: IDS (iduronate 2-sulfatase; minus strand), LOC106050102 (IDS recombination region; plus strand). Cytogenetic location: Xq28.
Variant type: Microsatellite.
Coding change: c.601_602del on transcript NM_000202.8 (MANE Select); coding-DNA positions 601 to 602, 2 bases deleted (AG; older notation c.601_602delAG).
Protein change: p.Ser201fs; shifts the reading frame from serine 201.
Molecular consequence: frameshift variant. On other transcripts: non-coding transcript variant (1).
Genome position (GRCh38, 1-based): chrX:149,498,213-149,498,214, CT deleted on the plus strand (AG on the coding strand, the reverse complement: IDS is on the minus strand); deleting any 2 consecutive bases within chrX:149,498,213-149,498,216 gives the same sequence; the c. name uses the placement nearest the transcript's 3' end. VCF-style (leftmost placement, unchanged base first): chrX-149498212-GCT-G. GRCh37 (hg19) VCF-style: chrX-148579743-GCT-G.
Other names: c.331_332del, p.Ser111fs (NM_001166550.4); c.601_602del, p.Ser201fs (NM_006123.5); short protein forms S111fs, S201fs.
Identifiers: ClinVar variation 997038 (VCV000997038.5), dbSNP rs2124046861, ClinGen allele CA2580612501.